The following is an entry in ClinVar:

ClinVar aggregate classification (germline): Uncertain significance (1 of 4 stars; one submission).

Submission:

Labcorp Genetics (formerly Invitae), Labcorp
Classification: Uncertain significance. Last evaluated: 2024-05-29. Review status: criteria provided, single submitter. Criteria: Invitae Variant Classification Sherloc (09022015). Collection method: clinical testing. Allele origin: germline.
Comment: This sequence change replaces alanine, which is neutral and non-polar, with valine, which is neutral and non-polar, at codon 4143 of the PCLO protein (p.Ala4143Val). This variant is not present in population databases (gnomAD no frequency). This variant has not been reported in the literature in individuals affected with PCLO-related conditions. Experimental studies and prediction algorithms are not available or were not evaluated, and the functional significance of this variant is currently unknown. In summary, the available evidence is currently insufficient to determine the role of this variant in disease. Therefore, it has been classified as a Variant of Uncertain Significance.

NM_033026.6(PCLO):c.12428C>T (p.Ala4143Val)

Gene: PCLO (piccolo presynaptic cytomatrix protein; minus strand). Cytogenetic location: 7q21.11.
Variant type: single nucleotide variant.
Coding change: c.12428C>T on transcript NM_033026.6 (MANE Select); coding-DNA position 12428, C replaced by T.
Protein change: p.Ala4143Val; replaces alanine 4143 with valine.
Molecular consequence: missense variant.
Genome position (GRCh38, 1-based): chr7:82,915,558, G>A on the plus strand (C>T on the coding strand, the complement: PCLO is on the minus strand). VCF-style: chr7-82915558-G-A. GRCh37 (hg19) VCF-style: chr7-82544874-G-A.
Other names: c.12428C>T, p.Ala4143Val (NM_014510.3); short protein forms A4143V.
Identifiers: ClinVar variation 3668399 (VCV003668399.2).